The following is an entry in ClinVar:

ClinVar aggregate classification (germline): Uncertain significance. Review status: criteria provided, multiple submitters, no conflicts (2 of 4 stars). 4 submissions from 4 submitters: Uncertain significance (4). Last evaluated 2025-08-19.

Conditions:
Congenital myotonia, autosomal recessive form. Also called: Becker Generalized Myotonia; myotonia congenita, autosomal recessive; BECKER DISEASE. Identifiers: Orphanet 614, MedGen C0751360, MONDO:0009715, OMIM 255700.
Congenital myotonia, autosomal dominant form (THD). Also called: THOMSEN DISEASE; Myotonia congenita autosomal dominant. Identifiers: Orphanet 614, MedGen C2936781, MONDO:0008055, OMIM 160800.
Inborn genetic diseases. Identifiers: MedGen C0950123, MeSH D030342.

Allele frequency attached by ClinVar (database versions not stated): gnomAD exomes 0.00001; gnomAD 0.00002; TOPMed 0.00002.
gnomAD v4.1: 87 of 1,559,974 alleles (0.0056%); highest among the groups gnomAD compares: Non-Finnish European, 0.0074%; no homozygotes.

Submissions (4):

Ambry Genetics
Classification: Uncertain significance for Inborn genetic diseases. Last evaluated: 2025-08-19. Review status: criteria provided, single submitter. Criteria: Ambry Variant Classification Scheme 2023. Collection method: clinical testing. Allele origin: germline.

Labcorp Genetics (formerly Invitae), Labcorp
Classification: Uncertain significance for Congenital myotonia, autosomal recessive form; Congenital myotonia, autosomal dominant form. Last evaluated: 2022-03-23. Review status: criteria provided, single submitter. Criteria: Invitae Variant Classification Sherloc (09022015). Collection method: clinical testing. Allele origin: germline.
Comment: This sequence change replaces glycine, which is neutral and non-polar, with alanine, which is neutral and non-polar, at codon 703 of the CLCN1 protein (p.Gly703Ala). This variant is present in population databases (no rsID available, gnomAD 0.005%). This variant has not been reported in the literature in individuals affected with CLCN1-related conditions. ClinVar contains an entry for this variant (Variation ID: 804703). Advanced modeling of protein sequence and biophysical properties (such as structural, functional, and spatial information, amino acid conservation, physicochemical variation, residue mobility, and thermodynamic stability) performed at Invitae indicates that this missense variant is not expected to disrupt CLCN1 protein function. In summary, the available evidence is currently insufficient to determine the role of this variant in disease. Therefore, it has been classified as a Variant of Uncertain Significance.

Revvity Omics, Revvity
Classification: Uncertain significance. Last evaluated: 2019-08-06. Review status: criteria provided, single submitter. Criteria: ACMG Guidelines, 2015. Collection method: clinical testing. Allele origin: germline.

Athena Diagnostics
Classification: Uncertain significance. Last evaluated: 2018-09-14. Review status: criteria provided, single submitter. Criteria: Athena Diagnostics Criteria. Collection method: clinical testing. Allele origin: germline.

NM_000083.3(CLCN1):c.2108G>C (p.Gly703Ala)

Genes: CLCN1 (chloride voltage-gated channel 1; plus strand), LOC123956257 (Sharpr-MPRA regulatory region 4117; plus strand). Cytogenetic location: 7q34.
Variant type: single nucleotide variant.
Coding change: c.2108G>C on transcript NM_000083.3 (MANE Select); coding-DNA position 2108, G replaced by C.
Protein change: p.Gly703Ala; replaces glycine 703 with alanine.
Molecular consequence: missense variant. On other transcripts: non-coding transcript variant (1).
Genome position (GRCh38, 1-based): chr7:143,345,698, G>C. VCF-style: chr7-143345698-G-C. GRCh37 (hg19) VCF-style: chr7-143042791-G-C.
Other names: short protein forms G703A.
Identifiers: ClinVar variation 804703 (VCV000804703.9), dbSNP rs1428234081, ClinGen allele CA369650454.
Genomic context (GRCh38, chr7:143,345,698, plus strand): 5'-AGCTGCCTTACGACGGGAAGGCGCGGCTGGCTGGGGAGGGGCTCCCCGGCGCGCCTCCAG[G>C]CCGGCCCGAGTCCTTCGCCTTTGTGGATGAGGATGAGGACGAAGACCTCTCTGGCAAGAG-3'
Protein context (NP_000074.3, residues 693-713): AGEGLPGAPP[Gly703Ala]RPESFAFVDE